The following is an entry in ClinVar:

ClinVar aggregate classification (germline): Uncertain significance. Review status: criteria provided, multiple submitters, no conflicts (2 of 4 stars). 2 submissions from 2 submitters: Uncertain significance (2). Last evaluated 2026-07-13.

Conditions:
Hereditary cancer-predisposing syndrome. Also called: Neoplastic Syndromes, Hereditary; Hereditary Cancer Syndrome; Hereditary neoplastic syndrome; Tumor predisposition. Identifiers: Orphanet 140162, MedGen C0027672, MeSH D009386, MONDO:0015356.
Gorlin syndrome. Also called: Nevoid Basal Cell Carcinoma Syndrome; Basal cell nevus syndrome. Identifiers: Orphanet 377, MedGen C0004779, MONDO:0007187.

Submissions (2):

Ambry Genetics
Classification: Uncertain significance for Hereditary cancer-predisposing syndrome. Last evaluated: 2026-07-13. Review status: criteria provided, single submitter. Criteria: Ambry Variant Classification Scheme 2023. Collection method: clinical testing. Allele origin: germline.
Comment: The p.E787G variant (also known as c.2360A>G), located in coding exon 15 of the PTCH1 gene, results from an A to G substitution at nucleotide position 2360. The glutamic acid at codon 787 is replaced by glycine, an amino acid with similar properties. This amino acid position is conserved. In addition, this alteration is predicted to be deleterious by in silico analysis. Based on the available evidence, the clinical significance of this variant remains unclear.

Labcorp Genetics (formerly Invitae), Labcorp
Classification: Uncertain significance for Gorlin syndrome. Last evaluated: 2018-08-07. Review status: criteria provided, single submitter. Criteria: Invitae Variant Classification Sherloc (09022015). Collection method: clinical testing. Allele origin: germline.
Comment: This variant is not present in population databases (ExAC no frequency). This variant has not been reported in the literature in individuals with PTCH1-related disease. Algorithms developed to predict the effect of missense changes on protein structure and function are either unavailable or do not agree on the potential impact of this missense change (SIFT: "Tolerated"; PolyPhen-2: "Probably Damaging"; Align-GVGD: "Class C0"). In summary, the available evidence is currently insufficient to determine the role of this variant in disease. Therefore, it has been classified as a Variant of Uncertain Significance. This sequence change replaces glutamic acid with glycine at codon 787 of the PTCH1 protein (p.Glu787Gly). The glutamic acid residue is moderately conserved and there is a moderate physicochemical difference between glutamic acid and glycine.

NM_000264.5(PTCH1):c.2360A>G (p.Glu787Gly)

Genes: PTCH1 (patched 1; minus strand), LOC100507346 (uncharacterized LOC100507346; plus strand). Cytogenetic location: 9q22.32.
Variant type: single nucleotide variant.
Coding change: c.2360A>G on transcript NM_000264.5 (MANE Select); coding-DNA position 2360, A replaced by G.
Protein change: p.Glu787Gly; replaces glutamic acid 787 with glycine.
Molecular consequence: missense variant.
Genome position (GRCh38, 1-based): chr9:95,467,316, T>C on the plus strand (A>G on the coding strand, the complement: PTCH1 is on the minus strand). VCF-style: chr9-95467316-T-C. GRCh37 (hg19) VCF-style: chr9-98229598-T-C.
Other names: c.2162A>G, p.Glu721Gly (NM_001083602.3); c.2357A>G, p.Glu786Gly (NM_001083603.3); c.1907A>G, p.Glu636Gly (NM_001083604.3, NM_001083605.3, NM_001083606.3 and 1 more transcripts); c.2204A>G, p.Glu735Gly (NM_001354918.2); short protein forms E636G, E786G, E721G, E735G, E787G.
Identifiers: ClinVar variation 653475 (VCV000653475.10), dbSNP rs1588569206, ClinGen allele CA374114491.
Genomic context (GRCh38, chr9:95,467,316, plus strand): 5'-GTGACTATATACATGTTGTAGAAAGAAAAGTATTTGAATTGTGCAGCAATAAAGTCATAT[T>C]CTCTGGTTTCCCGAGGTACAATGTCCGTAAGGTCCAGCCCGTCTCTCACTCGGGTGGTGC-3'
Protein context (NP_000255.2, residues 777-797): LTDIVPRETR[Glu787Gly]YDFIAAQFKY